The following is an entry in ClinVar:

NM_001006630.2(CHRM2):c.63T>G (p.Phe21Leu)

Genes: CHRM2 (cholinergic receptor muscarinic 2; plus strand), LOC349160 (uncharacterized LOC349160; minus strand). Cytogenetic location: 7q33.
Variant type: single nucleotide variant.
Coding change: c.63T>G on transcript NM_001006630.2 (MANE Select); coding-DNA position 63, T replaced by G.
Protein change: p.Phe21Leu; replaces phenylalanine 21 with leucine.
Molecular consequence: missense variant.
Genome position (GRCh38, 1-based): chr7:137,014,928, T>G. VCF-style: chr7-137014928-T-G. GRCh37 (hg19) VCF-style: chr7-136699675-T-G.
Other names: c.63T>G, p.Phe21Leu (NM_000739.3, NM_001006626.3, NM_001006627.3 and 6 more transcripts); short protein forms F21L.
Identifiers: ClinVar variation 3632543 (VCV003632543.2).
Genomic context (GRCh38, chr7:137,014,928, plus strand): 5'-GAATAACTCAACAAACTCCTCTAACAATAGCCTGGCTCTTACAAGTCCTTATAAGACATT[T>G]GAAGTGGTGTTTATTGTCCTGGTGGCTGGATCCCTCAGTTTGGTGACCATTATCGGGAAC-3'
Protein context (NP_001006631.1, residues 11-31): SLALTSPYKT[Phe21Leu]EVVFIVLVAG

ClinVar aggregate classification (germline): Uncertain significance (1 of 4 stars; one submission).

gnomAD v4.1: 4 of 1,613,164 alleles (0.00025%); highest among the groups gnomAD compares: African/African-American, 0.0053%; no homozygotes.

Submission:

Labcorp Genetics (formerly Invitae), Labcorp
Classification: Uncertain significance. Last evaluated: 2025-02-28. Review status: criteria provided, single submitter. Criteria: Invitae Variant Classification Sherloc (09022015). Collection method: clinical testing. Allele origin: germline.
Comment: This sequence change replaces phenylalanine, which is neutral and non-polar, with leucine, which is neutral and non-polar, at codon 21 of the CHRM2 protein (p.Phe21Leu). This variant is present in population databases (rs375796898, gnomAD 0.01%). This variant has not been reported in the literature in individuals affected with CHRM2-related conditions. An algorithm developed to predict the effect of missense changes on protein structure and function (PolyPhen-2) suggests that this variant is likely to be tolerated. In summary, the available evidence is currently insufficient to determine the role of this variant in disease. Therefore, it has been classified as a Variant of Uncertain Significance.